The following is an entry in ClinVar:

ClinVar aggregate classification (germline): Uncertain significance (1 of 4 stars; one submission).

Conditions:
Hereditary cancer-predisposing syndrome. Also called: Neoplastic Syndromes, Hereditary; Tumor predisposition; Hereditary Cancer Syndrome; Hereditary neoplastic syndrome. Identifiers: Orphanet 140162, MedGen C0027672, MeSH D009386, MONDO:0015356.

Submission:

Ambry Genetics
Classification: Uncertain significance for Hereditary cancer-predisposing syndrome. Last evaluated: 2026-03-17. Review status: criteria provided, single submitter. Criteria: Ambry Variant Classification Scheme 2023. Collection method: clinical testing. Allele origin: germline.
Comment: The p.S5R variant (also known as c.15C>G), located in coding exon 1 of the MSH6 gene, results from a C to G substitution at nucleotide position 15. The serine at codon 5 is replaced by arginine, an amino acid with dissimilar properties. This amino acid position is well conserved in available vertebrate species. In addition, the in silico prediction for this alteration is inconclusive. Based on the available evidence, the clinical significance of this variant remains unclear.

NM_000179.3(MSH6):c.15C>G (p.Ser5Arg)

Gene: MSH6 (mutS homolog 6; plus strand). Cytogenetic location: 2p16.3.
Variant type: single nucleotide variant.
Coding change: c.15C>G on transcript NM_000179.3 (MANE Select); coding-DNA position 15, C replaced by G.
Protein change: p.Ser5Arg; replaces serine 5 with arginine.
Molecular consequence: missense variant. On other transcripts: intron variant (5), 5 prime UTR variant (8), non-coding transcript variant (5).
Genome position (GRCh38, 1-based): chr2:47,783,248, C>G. VCF-style: chr2-47783248-C-G. GRCh37 (hg19) VCF-style: chr2-48010387-C-G.
Other names: c.-38+17C>G (NM_001406801.1, NM_001406805.1, NM_001406797.1); c.-69+17C>G (NM_001406806.1); c.-280+17C>G (NM_001406815.1); c.15C>G, p.Ser5Arg (NM_001281492.2, NM_001406795.1, NM_001406796.1 and 9 more transcripts); c.-722C>G (NM_001281493.2, NM_001406811.1); c.-314C>G (NM_001406799.1); c.-41C>G (NM_001406804.1); c.-914C>G (NM_001406807.1); and 3 more; short protein forms S5R.
Identifiers: ClinVar variation 4860373 (VCV004860373.1).